The following is an entry in ClinVar:

NM_000414.4(HSD17B4):c.1731G>A (p.Met577Ile)

Gene: HSD17B4 (hydroxysteroid 17-beta dehydrogenase 4; plus strand). Cytogenetic location: 5q23.1.
Variant type: single nucleotide variant.
Coding change: c.1731G>A on transcript NM_000414.4 (MANE Select); coding-DNA position 1731, G replaced by A.
Protein change: p.Met577Ile; replaces methionine 577 with isoleucine.
Molecular consequence: missense variant. On other transcripts: non-coding transcript variant (2).
Genome position (GRCh38, 1-based): chr5:119,527,183, G>A. VCF-style: chr5-119527183-G-A. GRCh37 (hg19) VCF-style: chr5-118862878-G-A.
Other names: c.1806G>A, p.Met602Ile (NM_001199291.3); c.1677G>A, p.Met559Ile (NM_001199292.2); c.1659G>A, p.Met553Ile (NM_001292027.2, NM_001374498.1); c.1311G>A, p.Met437Ile (NM_001292028.2); c.1722G>A, p.Met574Ile (NM_001374497.1); c.1404G>A, p.Met468Ile (NM_001374499.1); c.1290G>A, p.Met430Ile (NM_001374500.1); c.1320G>A, p.Met440Ile (NM_001374501.1, NM_001374502.1, NM_001374503.1); short protein forms M440I, M602I, M468I, M559I, M437I, M574I, M430I, M553I.
Identifiers: ClinVar variation 4998413 (VCV004998413.1).

ClinVar aggregate classification (germline): Uncertain significance (1 of 4 stars; one submission).

Conditions:
HSD17B4-related disorder. Also called: HSD17B4-related condition; HSD17B4-related disorders.

gnomAD v4.1: 1 of 1,610,004 alleles (0.000062%); highest among the groups gnomAD compares: Non-Finnish European, 0.000085%; no homozygotes.

Submission:

PreventionGenetics, part of Exact Sciences
Classification: Uncertain significance for HSD17B4-related condition. Last evaluated: 2026-04-21. Review status: criteria provided, single submitter. Criteria: ACMG Guidelines, 2015. Collection method: clinical testing. Allele origin: germline.
Comment: The HSD17B4 c.1731G>A variant is predicted to result in the amino acid substitution p.Met577Ile. To our knowledge, this variant has not been reported in the literature or in a large population database (gnomAD), indicating this variant is rare. At this time, the clinical significance of this variant is uncertain due to the absence of conclusive functional and genetic evidence.